The following is an entry in ClinVar:

ClinVar aggregate classification (germline): Conflicting classifications of pathogenicity. Review status: criteria provided, conflicting classifications (1 of 4 stars). 2 submissions from 2 submitters: Uncertain significance (1); Likely benign (1). Last evaluated 2024-02-12.

Conditions:
Hereditary cancer-predisposing syndrome. Also called: Neoplastic Syndromes, Hereditary; Hereditary neoplastic syndrome; Tumor predisposition; Hereditary Cancer Syndrome. Identifiers: Orphanet 140162, MedGen C0027672, MeSH D009386, MONDO:0015356.

Allele frequency attached by ClinVar (database versions not stated): gnomAD 0.00001.
gnomAD v4.1: 2 of 1,614,224 alleles (0.00012%); highest among the groups gnomAD compares: East Asian, 0.0045%; no homozygotes.

Submissions (2):

Ambry Genetics
Classification: Likely benign for Hereditary cancer-predisposing syndrome. Last evaluated: 2024-02-12. Review status: criteria provided, single submitter. Criteria: Ambry Variant Classification Scheme 2023. Collection method: clinical testing. Allele origin: germline.

Quest Diagnostics Nichols Institute San Juan Capistrano
Classification: Uncertain significance. Last evaluated: 2022-11-16. Review status: criteria provided, single submitter. Criteria: Quest Diagnostics criteria. Collection method: clinical testing. Allele origin: unknown.
Comment: This variant has not been reported in individuals with SUFU-related conditions in the published literature. The frequency of this variant in the general population, 0.000013 (2/152216 chromosomes), is uninformative in assessment of its pathogenicity. Analysis of this variant using software algorithms for the prediction of the effect of nucleotide changes on splicing yielded predictions that this variant does not affect SUFU mRNA splicing . Based on the available information, we are unable to determine the clinical significance of this variant.

NM_016169.4(SUFU):c.369T>C (p.Arg123=)

Gene: SUFU (SUFU negative regulator of hedgehog signaling; plus strand). Cytogenetic location: 10q24.32.
Variant type: single nucleotide variant.
Coding change: c.369T>C on transcript NM_016169.4 (MANE Select); coding-DNA position 369, T replaced by C.
Protein change: p.Arg123=; no amino-acid change (arginine 123 retained).
Molecular consequence: synonymous variant.
Genome position (GRCh38, 1-based): chr10:102,550,021, T>C. VCF-style: chr10-102550021-T-C. GRCh37 (hg19) VCF-style: chr10-104309778-T-C.
Other names: c.369T>C, p.Arg123= (NM_001178133.2).
Identifiers: ClinVar variation 2682091 (VCV002682091.2), dbSNP rs2135743218, ClinGen allele CA471286322.
Genomic context (GRCh38, chr10:102,550,021, plus strand): 5'-GTCTTTCAGGTTTACAGGAACAGATGGACCTAGTGGTTTTGGCTTTGAGTTGACCTTTCG[T>C]CTGAAGAGAGAAACTGGGGAGTCTGCCCCACCAACATGGCCCGCAGAGTTAATGCAGGGC-3'
Protein context (NP_057253.2, residues 113-133): PSGFGFELTF[Arg123=]LKRETGESAP